The following is an entry in ClinVar:

NM_014639.4(SKIC3):c.4088T>C (p.Ile1363Thr)

Gene: SKIC3 (SKI3 subunit of superkiller complex; minus strand). Cytogenetic location: 5q15.
Variant type: single nucleotide variant.
Coding change: c.4088T>C on transcript NM_014639.4 (MANE Select); coding-DNA position 4088, T replaced by C.
Protein change: p.Ile1363Thr; replaces isoleucine 1363 with threonine.
Molecular consequence: missense variant.
Genome position (GRCh38, 1-based): chr5:95,482,597, A>G on the plus strand (T>C on the coding strand, the complement: SKIC3 is on the minus strand). VCF-style: chr5-95482597-A-G. GRCh37 (hg19) VCF-style: chr5-94818301-A-G.
Other names: short protein forms I1363T.
Identifiers: ClinVar variation 1375515 (VCV001375515.3), dbSNP rs1282042535, ClinGen allele CA360444444.

ClinVar aggregate classification (germline): Uncertain significance (1 of 4 stars; one submission).

Allele frequency attached by ClinVar (database versions not stated): gnomAD exomes below 0.00001.
gnomAD v4.1: 2 of 1,614,056 alleles (0.00012%); highest among the groups gnomAD compares: South Asian, 0.0011%; no homozygotes.

Submission:

Labcorp Genetics (formerly Invitae), Labcorp
Classification: Uncertain significance. Last evaluated: 2021-08-16. Review status: criteria provided, single submitter. Criteria: Invitae Variant Classification Sherloc (09022015). Collection method: clinical testing. Allele origin: germline.
Comment: This sequence change replaces isoleucine with threonine at codon 1363 of the TTC37 protein (p.Ile1363Thr). The isoleucine residue is weakly conserved and there is a moderate physicochemical difference between isoleucine and threonine. This variant is not present in population databases (ExAC no frequency). This variant has not been reported in the literature in individuals affected with TTC37-related conditions. Algorithms developed to predict the effect of missense changes on protein structure and function are either unavailable or do not agree on the potential impact of this missense change (SIFT: "Deleterious"; PolyPhen-2: "Benign"; Align-GVGD: "Class C0"). In summary, the available evidence is currently insufficient to determine the role of this variant in disease. Therefore, it has been classified as a Variant of Uncertain Significance.